The following is an entry in ClinVar:

NM_020975.6(RET):c.2505C>T (p.Ser835=)

Gene: RET (ret proto-oncogene; plus strand). Cytogenetic location: 10q11.21.
Variant type: single nucleotide variant.
Coding change: c.2505C>T on transcript NM_020975.6 (MANE Select); coding-DNA position 2505, C replaced by T.
Protein change: p.Ser835=; no amino-acid change (serine 835 retained).
Molecular consequence: synonymous variant.
Genome position (GRCh38, 1-based): chr10:43,119,643, C>T. VCF-style: chr10-43119643-C-T. GRCh37 (hg19) VCF-style: chr10-43615091-C-T.
Other names: c.2505C>T, p.Ser835= (NM_000323.2, NM_001406743.1, NM_001406744.1 and 4 more transcripts); c.1743C>T, p.Ser581= (NM_001355216.2); c.2376C>T, p.Ser792= (NM_001406761.1, NM_001406762.1, NM_001406764.1); c.2370C>T, p.Ser790= (NM_001406763.1, NM_001406765.1); c.2217C>T, p.Ser739= (NM_001406766.1, NM_001406767.1, NM_001406770.1); c.2241C>T, p.Ser747= (NM_001406768.1); c.2109C>T, p.Ser703= (NM_001406769.1, NM_001406772.1); c.2067C>T, p.Ser689= (NM_001406771.1, NM_001406773.1); and 10 more.
Identifiers: ClinVar variation 413467 (VCV000413467.26), dbSNP rs1060504033, ClinGen allele CA16613081.

ClinVar aggregate classification (germline): Benign/Likely benign. Review status: criteria provided, multiple submitters, no conflicts (2 of 4 stars). 8 submissions from 8 submitters: Benign (1); Likely benign (7). Last evaluated 2026-01-26.

Conditions:
RET-related disorder. Also called: RET-related disorders; RET-related condition; RET-related disease.
Hereditary cancer-predisposing syndrome. Also called: Tumor predisposition; Hereditary neoplastic syndrome; Hereditary Cancer Syndrome; Neoplastic Syndromes, Hereditary. Identifiers: Orphanet 140162, MedGen C0027672, MeSH D009386, MONDO:0015356.
Multiple endocrine neoplasia, type 2 (MEN2). Identifiers: Orphanet 653, MedGen C4048306, MONDO:0019003. Disease mechanism: gain of function.
Multiple endocrine neoplasia type 2A. Also called: Multiple Endocrine Neoplasia Type 2A (MEN2A); MULTIPLE ENDOCRINE NEOPLASIA, TYPE IIA; PTC SYNDROME; SIPPLE SYNDROME; MEN 2A; MEN-2A syndrome. Identifiers: Orphanet 247698, Orphanet 653, MedGen C0025268, MeSH D018813, MONDO:0008234, OMIM 171400.

Allele frequency attached by ClinVar (database versions not stated): gnomAD exomes below 0.00001; gnomAD 0.00002.
gnomAD v4.1: 5 of 1,613,144 alleles (0.00031%); highest among the groups gnomAD compares: Admixed American, 0.0067%; 1 homozygote.

Submissions (8):

Labcorp Genetics (formerly Invitae), Labcorp
Classification: Likely benign for Multiple endocrine neoplasia, type 2. Last evaluated: 2026-01-26. Review status: criteria provided, single submitter. Criteria: Invitae Variant Classification Sherloc (09022015). Collection method: clinical testing. Allele origin: germline.

CeGaT Center for Human Genetics Tuebingen
Classification: Likely benign. Last evaluated: 2025-11-01. Review status: criteria provided, single submitter. Criteria: CeGaT Center For Human Genetics Tuebingen Variant Classification Criteria Version 2. Collection method: clinical testing. Allele origin: germline. Affected: yes. Observed: 1 variant allele.
Comment: RET: BP4, BP7

PreventionGenetics, part of Exact Sciences
Classification: Likely benign for RET-related condition. Last evaluated: 2025-06-29. Review status: criteria provided, single submitter. Criteria: ACMG Guidelines, 2015. Collection method: clinical testing. Allele origin: germline.
Comment: This variant is classified as likely benign based on ACMG/AMP sequence variant interpretation guidelines (Richards et al. 2015 PMID: 25741868, with internal and published modifications).

Myriad Genetics, Inc.
Classification: Benign for Multiple endocrine neoplasia type 2A. Last evaluated: 2025-02-27. Review status: criteria provided, single submitter. Criteria: Myriad Autosomal Dominant, Autosomal Recessive and X-Linked Classification Criteria (2023). Collection method: clinical testing. Allele origin: unknown.
Comment: This variant is considered benign. This variant is a silent/synonymous amino acid change and it is not expected to impact splicing.

All of Us Research Program, National Institutes of Health
Classification: Likely benign for Multiple endocrine neoplasia, type 2. Last evaluated: 2024-01-11. Review status: criteria provided, single submitter. Criteria: ACMG Guidelines, 2015. Collection method: clinical testing. Allele origin: germline. Inheritance: Autosomal dominant inheritance. Observed: 3 variant alleles, 3 heterozygotes.
Comment: This study involves interpretation of variants in research participants for the purpose of population health screening. Participant phenotype was not available at the time of variant classification. Additional details can be found in publication PMID: 35346344, PMCID: PMC8962531

Color Diagnostics, LLC DBA Color Health
Classification: Likely benign for Multiple endocrine neoplasia, type 2. Last evaluated: 2022-09-29. Review status: criteria provided, single submitter. Criteria: ACMG Guidelines, 2015. Collection method: clinical testing. Allele origin: germline.

Sema4
Classification: Likely benign for Hereditary cancer-predisposing syndrome. Last evaluated: 2022-02-04. Review status: criteria provided, single submitter. Criteria: Sema4 Curation Guidelines. Collection method: curation. Allele origin: germline.

Ambry Genetics
Classification: Likely benign for Hereditary cancer-predisposing syndrome. Last evaluated: 2015-10-22. Review status: criteria provided, single submitter. Criteria: Ambry Variant Classification Scheme 2023. Collection method: clinical testing. Allele origin: germline.